The following is an entry in ClinVar:

NM_000548.5(TSC2):c.3106T>C (p.Ser1036Pro)

Gene: TSC2 (TSC complex subunit 2; plus strand). Cytogenetic location: 16p13.3.
Variant type: single nucleotide variant.
Coding change: c.3106T>C on transcript NM_000548.5 (MANE Select); coding-DNA position 3106, T replaced by C.
Protein change: p.Ser1036Pro; replaces serine 1036 with proline.
Molecular consequence: missense variant.
Genome position (GRCh38, 1-based): chr16:2,079,171, T>C. VCF-style: chr16-2079171-T-C. GRCh37 (hg19) VCF-style: chr16-2129172-T-C.
Other names: c.2974T>C, p.Ser992Pro (NM_001077183.3, NM_001370404.1); c.3106T>C, p.Ser1036Pro (NM_001114382.3); c.2866T>C, p.Ser956Pro (NM_001318827.2); c.2830T>C, p.Ser944Pro (NM_001318829.2); c.2374T>C, p.Ser792Pro (NM_001318831.2); c.3007T>C, p.Ser1003Pro (NM_001318832.2); c.2977T>C, p.Ser993Pro (NM_001363528.2, NM_001370405.1, NM_021055.3); short protein forms S1036P, S944P, S993P, S792P, S1003P, S956P, S992P.
Identifiers: ClinVar variation 50043 (VCV000050043.10), dbSNP rs45517281, ClinGen allele CA018541.
Genomic context (GRCh38, chr16:2,079,171, plus strand): 5'-AAAAACCTCCACCTGGAGCTCACGGAAACCTGTCTGGACATGATGGCTCGATACGTCTTC[T>C]CCAACTTCACGGCTGTCCCGAAGAGGTCCAGGCGGCACTACAGGGCTGGGCGGGCCTGCG-3'
Protein context (NP_000539.2, residues 1026-1046): CLDMMARYVF[Ser1036Pro]NFTAVPKRSP

ClinVar aggregate classification (germline): Uncertain significance. Review status: criteria provided, multiple submitters, no conflicts (2 of 4 stars). 4 submissions from 4 submitters: Uncertain significance (2). 2 of the submissions do not count toward it. Last evaluated 2024-07-03.

Conditions:
Tuberous sclerosis syndrome (TSC). Also called: Tuberous Sclerosis Complex; Tuberous sclerosis. Identifiers: Orphanet 805, MedGen C0041341, MONDO:0001734.
Tuberous sclerosis 2 (TSC2). Identifiers: Orphanet 805, MedGen C1860707, MONDO:0013199, OMIM 613254.

Submissions (4):

Blueprint Genetics
Classification: Uncertain significance. Last evaluated: 2024-07-03. Review status: criteria provided, single submitter. Criteria: ACMG Guidelines, 2015. Collection method: clinical testing. Allele origin: germline.

Labcorp Genetics (formerly Invitae), Labcorp
Classification: Uncertain significance for Tuberous sclerosis 2. Last evaluated: 2022-01-17. Review status: criteria provided, single submitter. Criteria: Invitae Variant Classification Sherloc (09022015). Collection method: clinical testing. Allele origin: germline.
Comment: In summary, the available evidence is currently insufficient to determine the role of this variant in disease. Therefore, it has been classified as a Variant of Uncertain Significance. Experimental studies have shown that this missense change affects TSC2 function (PMID: 21309039, 21332470). Advanced modeling of protein sequence and biophysical properties (such as structural, functional, and spatial information, amino acid conservation, physicochemical variation, residue mobility, and thermodynamic stability) performed at Invitae indicates that this missense variant is expected to disrupt TSC2 protein function. ClinVar contains an entry for this variant (Variation ID: 50043). This missense change has been observed in individual(s) with clinical feature of tuberous sclerosis complex (PMID: 12913212). This variant is not present in population databases (gnomAD no frequency). This sequence change replaces serine, which is neutral and polar, with proline, which is neutral and non-polar, at codon 1036 of the TSC2 protein (p.Ser1036Pro).

GeneReviews
No classification provided. Condition: Tuberous sclerosis 2. Review status: no classification provided. Collection method: literature only. Allele origin: germline. Not counted in ClinVar's aggregate classification.

Tuberous sclerosis database (TSC2)
No classification provided. Condition: TSC. Review status: no classification provided. Criteria: Tuberous Sclerosis Database Assertion Criteria 2015. Collection method: curation. Allele origin: germline. Affected: yes. Not counted in ClinVar's aggregate classification.

Literature cited by the submitters: PubMed 21309039 (cited by Labcorp Genetics (formerly Invitae), Labcorp); PubMed 21332470 (cited by Labcorp Genetics (formerly Invitae), Labcorp); PubMed 12913212 (cited by Labcorp Genetics (formerly Invitae), Labcorp).